The following is an entry in ClinVar:

NM_001103.4(ACTN2):c.1978A>T (p.Ile660Phe)

Gene: ACTN2 (actinin alpha 2; plus strand). Cytogenetic location: 1q43.
Variant type: single nucleotide variant.
Coding change: c.1978A>T on transcript NM_001103.4 (MANE Select); coding-DNA position 1978, A replaced by T.
Protein change: p.Ile660Phe; replaces isoleucine 660 with phenylalanine.
Molecular consequence: missense variant.
Genome position (GRCh38, 1-based): chr1:236,755,022, A>T. VCF-style: chr1-236755022-A-T. GRCh37 (hg19) VCF-style: chr1-236918322-A-T.
Other names: c.1978A>T, p.Ile660Phe (NM_001278343.2); c.1354A>T, p.Ile452Phe (NM_001278344.2); short protein forms I660F, I452F.
Identifiers: ClinVar variation 412274 (VCV000412274.9), dbSNP rs768670466, ClinGen allele CA1473322.

ClinVar aggregate classification (germline): Uncertain significance (1 of 4 stars; one submission).

Conditions:
Dilated cardiomyopathy 1AA (CMD1AA). Also called: CARDIOMYOPATHY, DILATED, 1AA, WITH OR WITHOUT LEFT VENTRICULAR NONCOMPACTION; CARDIOMYOPATHY, FAMILIAL HYPERTROPHIC, 23, WITH OR WITHOUT LEFT VENTRICULAR NONCOMPACTION; Cardiomyopathy, dilated, 1AA, with or without LVNC. Identifiers: Orphanet 154, MedGen C2677338, MONDO:0012808, OMIM 612158.
Primary familial hypertrophic cardiomyopathy (HCM). Identifiers: Orphanet 99739, MedGen C0949658, MeSH D024741, MONDO:0024573. Inheritance: Various modes of inheritance.

Allele frequency attached by ClinVar (database versions not stated): gnomAD exomes below 0.00001 and 0.00001; ExAC 0.00002.

Submission:

Labcorp Genetics (formerly Invitae), Labcorp
Classification: Uncertain significance for Primary familial hypertrophic cardiomyopathy; Dilated cardiomyopathy 1AA. Last evaluated: 2025-03-26. Review status: criteria provided, single submitter. Criteria: Invitae Variant Classification Sherloc (09022015). Collection method: clinical testing. Allele origin: germline.
Comment: This sequence change replaces isoleucine, which is neutral and non-polar, with phenylalanine, which is neutral and non-polar, at codon 660 of the ACTN2 protein (p.Ile660Phe). This variant is present in population databases (rs768670466, gnomAD 0.006%). This variant has not been reported in the literature in individuals affected with ACTN2-related conditions. ClinVar contains an entry for this variant (Variation ID: 412274). Invitae Evidence Modeling of protein sequence and biophysical properties (such as structural, functional, and spatial information, amino acid conservation, physicochemical variation, residue mobility, and thermodynamic stability) has been performed for this missense variant. However, the output from this modeling did not meet the statistical confidence thresholds required to predict the impact of this variant on ACTN2 protein function. In summary, the available evidence is currently insufficient to determine the role of this variant in disease. Therefore, it has been classified as a Variant of Uncertain Significance.